The following is an entry in ClinVar:

NM_002976.4(SCN7A):c.2710G>A (p.Gly904Arg)

Gene: SCN7A (sodium voltage-gated channel alpha subunit 7; minus strand). Cytogenetic location: 2q24.3.
Variant type: single nucleotide variant.
Coding change: c.2710G>A on transcript NM_002976.4 (MANE Select); coding-DNA position 2710, G replaced by A.
Protein change: p.Gly904Arg; replaces glycine 904 with arginine.
Molecular consequence: missense variant. On other transcripts: non-coding transcript variant (1).
Genome position (GRCh38, 1-based): chr2:166,427,931, C>T on the plus strand (G>A on the coding strand, the complement: SCN7A is on the minus strand). VCF-style: chr2-166427931-C-T. GRCh37 (hg19) VCF-style: chr2-167284441-C-T.
Other names: short protein forms G904R.
Identifiers: ClinVar variation 734113 (VCV000734113.7), dbSNP rs34324751, ClinGen allele CA1945394.

ClinVar aggregate classification (germline): Benign. Review status: criteria provided, multiple submitters, no conflicts (2 of 4 stars). 3 submissions from 3 submitters: Benign (2). 1 of the submissions does not count toward it. Last evaluated 2019-12-31.

Conditions:
SCN7A-related disorder. Also called: SCN7A-related condition.

Allele frequency attached by ClinVar (database versions not stated): gnomAD exomes 0.00081; ExAC 0.00101; 1000 Genomes Project 0.00300; 1000 Genomes Project 30x 0.00344; ESP Exome Variant Server 0.00378; gnomAD 0.00378 and 0.00399; TOPMed 0.00419.
gnomAD v4.1: 1,084 of 1,612,258 alleles (0.067%); highest among the groups gnomAD compares: African/African-American, 1.3%; 8 homozygotes.

Submissions (3):

Labcorp Genetics (formerly Invitae), Labcorp
Classification: Benign. Last evaluated: 2019-12-31. Review status: criteria provided, single submitter. Criteria: Invitae Variant Classification Sherloc (09022015). Collection method: clinical testing. Allele origin: germline.

Breakthrough Genomics
Classification: Benign. Review status: criteria provided, single submitter. Criteria: ACMG Guidelines, 2015. Collection method: not provided. Allele origin: germline. Inheritance: Unknown mechanism. Affected: yes.

PreventionGenetics, part of Exact Sciences
Classification: Benign for SCN7A-related condition. Last evaluated: 2020-06-05. Review status: no assertion criteria provided. Collection method: clinical testing. Allele origin: germline. Not counted in ClinVar's aggregate classification.
Comment: This variant is classified as benign based on ACMG/AMP sequence variant interpretation guidelines (Richards et al. 2015 PMID: 25741868, with internal and published modifications).